The following is an entry in ClinVar:

ClinVar aggregate classification (germline): Uncertain significance (1 of 4 stars; one submission).

gnomAD v4.1: 1 of 1,614,094 alleles (0.000062%); highest among the groups gnomAD compares: Admixed American, 0.0017%; no homozygotes.

Submission:

Labcorp Genetics (formerly Invitae), Labcorp
Classification: Uncertain significance. Last evaluated: 2024-05-13. Review status: criteria provided, single submitter. Criteria: Invitae Variant Classification Sherloc (09022015). Collection method: clinical testing. Allele origin: germline.
Comment: This sequence change replaces glutamine, which is neutral and polar, with glutamic acid, which is acidic and polar, at codon 57 of the ASCC1 protein (p.Gln57Glu). This variant is not present in population databases (gnomAD no frequency). This variant has not been reported in the literature in individuals affected with ASCC1-related conditions. ClinVar contains an entry for this variant (Variation ID: 1951381). Advanced modeling of protein sequence and biophysical properties (such as structural, functional, and spatial information, amino acid conservation, physicochemical variation, residue mobility, and thermodynamic stability) performed at Invitae indicates that this missense variant is not expected to disrupt ASCC1 protein function with a negative predictive value of 80%. In summary, the available evidence is currently insufficient to determine the role of this variant in disease. Therefore, it has been classified as a Variant of Uncertain Significance.

NM_001198800.3(ASCC1):c.169C>G (p.Gln57Glu)

Gene: ASCC1 (activating signal cointegrator 1 complex subunit 1; minus strand). Cytogenetic location: 10q22.1.
Variant type: single nucleotide variant.
Coding change: c.169C>G on transcript NM_001198800.3 (MANE Select); coding-DNA position 169, C replaced by G.
Protein change: p.Gln57Glu; replaces glutamine 57 with glutamic acid.
Molecular consequence: missense variant. On other transcripts: non-coding transcript variant (1).
Genome position (GRCh38, 1-based): chr10:72,210,775, G>C on the plus strand (C>G on the coding strand, the complement: ASCC1 is on the minus strand). VCF-style: chr10-72210775-G-C. GRCh37 (hg19) VCF-style: chr10-73970533-G-C.
Other names: c.169C>G, p.Gln57Glu (NM_001198798.2, NM_001198799.3, NM_001369087.1 and 19 more transcripts); c.235C>G, p.Gln79Glu (NM_001369085.1, NM_001369086.1, NM_001369099.1); c.52C>G, p.Gln18Glu (NM_001369101.1, NM_001369102.1, NM_001369105.1 and 2 more transcripts); short protein forms Q57E, Q18E, Q79E.
Identifiers: ClinVar variation 1951381 (VCV001951381.5), dbSNP rs751627055, ClinGen allele CA377148819.